The following is an entry in ClinVar:

ClinVar aggregate classification (germline): Uncertain significance. Review status: criteria provided, single submitter (1 of 4 stars). 2 submissions from 2 submitters: Uncertain significance (1). 1 of the submissions does not count toward it. Last evaluated 2025-08-09.

Conditions:
MGAM-related disorder. Also called: MGAM-related condition.

Allele frequency attached by ClinVar (database versions not stated): ExAC 0.00043; gnomAD 0.00123; TOPMed 0.00133; 1000 Genomes Project 0.00140; 1000 Genomes Project 30x 0.00156; ESP Exome Variant Server 0.00195.

Submissions (2):

Ambry Genetics
Classification: Uncertain significance. Last evaluated: 2025-08-09. Review status: criteria provided, single submitter. Criteria: Ambry Variant Classification Scheme 2023. Collection method: clinical testing. Allele origin: germline.

PreventionGenetics, part of Exact Sciences
Classification: Likely benign for MGAM-related condition. Last evaluated: 2022-04-26. Review status: no assertion criteria provided. Collection method: clinical testing. Allele origin: germline. Not counted in ClinVar's aggregate classification.
Comment: This variant is classified as likely benign based on ACMG/AMP sequence variant interpretation guidelines (Richards et al. 2015 PMID: 25741868, with internal and published modifications).

NM_001365693.1(MGAM):c.460C>T (p.Arg154Trp)

Gene: MGAM (maltase-glucoamylase; plus strand). Cytogenetic location: 7q34.
Variant type: single nucleotide variant.
Coding change: c.460C>T on transcript NM_001365693.1 (MANE Select); coding-DNA position 460, C replaced by T.
Protein change: p.Arg154Trp; replaces arginine 154 with tryptophan.
Molecular consequence: missense variant.
Genome position (GRCh38, 1-based): chr7:142,020,985, C>T. VCF-style: chr7-142020985-C-T. GRCh37 (hg19) VCF-style: chr7-141720785-C-T.
Other names: c.460C>T, p.Arg154Trp (NM_004668.3); c.460C>T (NM_004668.2); short protein forms R154W.
Identifiers: ClinVar variation 3051287 (VCV003051287.3), dbSNP rs191137461, ClinGen allele CA4520437.